The following is an entry in ClinVar:

ClinVar aggregate classification (germline): Benign/Likely benign. Review status: criteria provided, multiple submitters, no conflicts (2 of 4 stars). 4 submissions from 4 submitters: Benign (1); Likely benign (3). Last evaluated 2024-11-07.

Conditions:
Birt-Hogg-Dube syndrome 1 (BHD1). Also called: FIBROFOLLICULOMAS WITH TRICHODISCOMAS AND ACROCHORDONS. Identifiers: Orphanet 122, MedGen CN375946, MONDO:0800445, OMIM 135150.
Hereditary cancer-predisposing syndrome. Also called: Hereditary neoplastic syndrome; Neoplastic Syndromes, Hereditary; Tumor predisposition; Hereditary Cancer Syndrome. Identifiers: Orphanet 140162, MedGen C0027672, MeSH D009386, MONDO:0015356.
Birt-Hogg-Dube syndrome. Also called: Birt Hogg Dubé syndrome. Identifiers: Orphanet 122, MedGen C0346010, MONDO:0800444.

Submissions (4):

Labcorp Genetics (formerly Invitae), Labcorp
Classification: Likely benign for Birt-Hogg-Dube syndrome. Last evaluated: 2024-11-07. Review status: criteria provided, single submitter. Criteria: Invitae Variant Classification Sherloc (09022015). Collection method: clinical testing. Allele origin: germline.

Myriad Genetics, Inc.
Classification: Benign for Birt-Hogg-Dube syndrome 1. Last evaluated: 2024-10-23. Review status: criteria provided, single submitter. Criteria: Myriad Autosomal Dominant, Autosomal Recessive and X-Linked Classification Criteria (2023). Collection method: clinical testing. Allele origin: unknown.
Comment: This variant is considered benign. This variant is a silent/synonymous amino acid change and it is not expected to impact splicing.

Ambry Genetics
Classification: Likely benign for Hereditary cancer-predisposing syndrome. Last evaluated: 2022-04-06. Review status: criteria provided, single submitter. Criteria: Ambry Variant Classification Scheme 2023. Collection method: clinical testing. Allele origin: germline.

Sema4
Classification: Likely benign for Hereditary cancer-predisposing syndrome. Last evaluated: 2021-06-16. Review status: criteria provided, single submitter. Criteria: Sema4 Curation Guidelines. Collection method: curation. Allele origin: germline.

NM_144997.7(FLCN):c.882G>A (p.Glu294=)

Gene: FLCN (folliculin; minus strand). Cytogenetic location: 17p11.2.
Variant type: single nucleotide variant.
Coding change: c.882G>A on transcript NM_144997.7 (MANE Select); coding-DNA position 882, G replaced by A.
Protein change: p.Glu294=; no amino-acid change (glutamic acid 294 retained).
Molecular consequence: synonymous variant.
Genome position (GRCh38, 1-based): chr17:17,219,199, C>T on the plus strand (G>A on the coding strand, the complement: FLCN is on the minus strand). VCF-style: chr17-17219199-C-T. GRCh37 (hg19) VCF-style: chr17-17122513-C-T.
Other names: c.882G>A (LRG_325t1); c.936G>A, p.Glu312= (NM_001353229.2); c.882G>A, p.Glu294= (NM_001353230.2, NM_001353231.2).
Identifiers: ClinVar variation 460640 (VCV000460640.14), dbSNP rs1555608661, ClinGen allele CA498163612.